The following is an entry in ClinVar:

NM_012156.2(EPB41L1):c.783T>C (p.Tyr261=)

Gene: EPB41L1 (erythrocyte membrane protein band 4.1 like 1; plus strand). Cytogenetic location: 20q11.23.
Variant type: single nucleotide variant.
Coding change: c.783T>C on transcript NM_012156.2 (MANE Select); coding-DNA position 783, T replaced by C.
Protein change: p.Tyr261=; no amino-acid change (tyrosine 261 retained).
Molecular consequence: synonymous variant.
Genome position (GRCh38, 1-based): chr20:36,185,333, T>C. VCF-style: chr20-36185333-T-C. GRCh37 (hg19) VCF-style: chr20-34773255-T-C.
Other names: c.783T>C, p.Tyr261= (NM_001258329.1, NM_001424382.1, NM_001424383.1 and 13 more transcripts); c.690T>C, p.Tyr230= (NM_001258330.1); c.597T>C, p.Tyr199= (NM_001258331.2, NM_001424373.1, NM_001424374.1 and 19 more transcripts).
Identifiers: ClinVar variation 2652291 (VCV002652291.24), dbSNP rs755085093, ClinGen allele CA9839697.

ClinVar aggregate classification (germline): Likely benign (1 of 4 stars; one submission).

Allele frequency attached by ClinVar (database versions not stated): ExAC 0.00001; gnomAD 0.00001; gnomAD exomes 0.00001.
gnomAD v4.1: 11 of 1,612,236 alleles (0.00068%); highest among the groups gnomAD compares: South Asian, 0.012%; no homozygotes.

Submission:

CeGaT Center for Human Genetics Tuebingen
Classification: Likely benign. Last evaluated: 2023-04-01. Review status: criteria provided, single submitter. Criteria: CeGaT Center For Human Genetics Tuebingen Variant Classification Criteria Version 2. Collection method: clinical testing. Allele origin: germline. Affected: yes. Observed: 1 variant allele.
Comment: EPB41L1: BP4, BP7